The following is an entry in ClinVar:

NM_001142800.2(EYS):c.9329G>A (p.Gly3110Asp)

Genes: EYS (EGF-like photoreceptor maintenance factor; minus strand), PHF3 (PHD finger protein 3; plus strand). Cytogenetic location: 6q12.
Variant type: single nucleotide variant.
Coding change: c.9329G>A on transcript NM_001142800.2 (MANE Select); coding-DNA position 9329, G replaced by A.
Protein change: p.Gly3110Asp; replaces glycine 3110 with aspartic acid.
Molecular consequence: missense variant. On other transcripts: 3 prime UTR variant (5).
Genome position (GRCh38, 1-based): chr6:63,720,702, C>T on the plus strand (G>A on the coding strand, the complement: EYS is on the minus strand). VCF-style: chr6-63720702-C-T. GRCh37 (hg19) VCF-style: chr6-64430598-C-T.
Other names: c.*6994C>T (NM_001290259.2, NM_001370348.2, NM_001370349.2 and 2 more transcripts); c.9392G>A, p.Gly3131Asp (NM_001292009.2); short protein forms G3110D, G3131D.
Identifiers: ClinVar variation 1516149 (VCV001516149.7), dbSNP rs1582139184, ClinGen allele CA364382728.

ClinVar aggregate classification (germline): Uncertain significance (1 of 4 stars; one submission).

Allele frequency attached by ClinVar (database versions not stated): gnomAD exomes below 0.00001.
gnomAD v4.1: 3 of 1,547,936 alleles (0.00019%); highest among the groups gnomAD compares: Non-Finnish European, 0.00026%; no homozygotes.

Submission:

Labcorp Genetics (formerly Invitae), Labcorp
Classification: Uncertain significance. Last evaluated: 2024-10-15. Review status: criteria provided, single submitter. Criteria: Invitae Variant Classification Sherloc (09022015). Collection method: clinical testing. Allele origin: germline.
Comment: This sequence change replaces glycine, which is neutral and non-polar, with aspartic acid, which is acidic and polar, at codon 3110 of the EYS protein (p.Gly3110Asp). This variant is not present in population databases (gnomAD no frequency). This missense change has been observed in individual(s) with clinical features of EYS-related conditions (PMID: 36460718; internal data). In at least one individual the data is consistent with being in trans (on the opposite chromosome) from a pathogenic variant. ClinVar contains an entry for this variant (Variation ID: 1516149). Invitae Evidence Modeling of protein sequence and biophysical properties (such as structural, functional, and spatial information, amino acid conservation, physicochemical variation, residue mobility, and thermodynamic stability) indicates that this missense variant is not expected to disrupt EYS protein function with a negative predictive value of 80%. This variant disrupts the p.Gly3110 amino acid residue in EYS. Other variant(s) that disrupt this residue have been observed in individuals with EYS-related conditions (PMID: 32531858), which suggests that this may be a clinically significant amino acid residue. In summary, the available evidence is currently insufficient to determine the role of this variant in disease. Therefore, it has been classified as a Variant of Uncertain Significance.

Literature cited by the submitters: PubMed 36460718; PubMed 32531858.